The following is an entry in ClinVar:

NM_000784.4(CYP27A1):c.845-1G>C

Gene: CYP27A1 (cytochrome P450 family 27 subfamily A member 1; plus strand). Cytogenetic location: 2q35.
Variant type: single nucleotide variant.
Coding change: c.845-1G>C on transcript NM_000784.4 (MANE Select); the canonical splice acceptor site of the intron before coding-DNA position 845, G replaced by C.
Molecular consequence: splice acceptor variant.
Genome position (GRCh38, 1-based): chr2:218,812,923, G>C. VCF-style: chr2-218812923-G-C. GRCh37 (hg19) VCF-style: chr2-219677646-G-C.
Identifiers: ClinVar variation 2674709 (VCV002674709.4), dbSNP rs397515353, ClinGen allele CA350587916.

ClinVar aggregate classification (germline): Pathogenic/Likely pathogenic. Review status: criteria provided, multiple submitters, no conflicts (2 of 4 stars). 2 submissions from 2 submitters: Pathogenic (1); Likely pathogenic (1). Last evaluated 2025-07-16.

Conditions:
Cholestanol storage disease (CTX). Also called: CEREBRAL CHOLESTERINOSIS; Cerebrotendinous Xanthomatosis; CTX: Cerebrotendinous xanthomatosis. Identifiers: Orphanet 909, MedGen C0238052, MONDO:0008948, OMIM 213700.

Submissions (2):

Labcorp Genetics (formerly Invitae), Labcorp
Classification: Pathogenic for Cholestanol storage disease. Last evaluated: 2025-07-16. Review status: criteria provided, single submitter. Criteria: Invitae Variant Classification Sherloc (09022015). Collection method: clinical testing. Allele origin: germline.
Comment: This sequence change affects an acceptor splice site in intron 4 of the CYP27A1 gene. It is expected to disrupt RNA splicing. Variants that disrupt the donor or acceptor splice site typically lead to a loss of protein function (PMID: 16199547), and loss-of-function variants in CYP27A1 are known to be pathogenic (PMID: 9392430, 10775536, 26937392). This variant is not present in population databases (gnomAD no frequency). Disruption of this splice site has been observed in individuals with cerebrotendinous xanthomatosis (PMID: 8514861, 21645175, 27084087). ClinVar contains an entry for this variant (Variation ID: 2674709). Algorithms developed to predict the effect of sequence changes on RNA splicing suggest that this variant may disrupt the consensus splice site. For these reasons, this variant has been classified as Pathogenic.

Baylor Genetics
Classification: Likely pathogenic for Cholestanol storage disease. Last evaluated: 2023-09-16. Review status: criteria provided, single submitter. Criteria: ACMG Guidelines, 2015. Collection method: clinical testing. Allele origin: unknown.

Literature cited by the submitters: PubMed 16199547 (cited by Labcorp Genetics (formerly Invitae), Labcorp); PubMed 9392430 (cited by Labcorp Genetics (formerly Invitae), Labcorp); PubMed 10775536 (cited by Labcorp Genetics (formerly Invitae), Labcorp); PubMed 26937392 (cited by Labcorp Genetics (formerly Invitae), Labcorp); PubMed 8514861 (cited by Labcorp Genetics (formerly Invitae), Labcorp); PubMed 21645175 (cited by Labcorp Genetics (formerly Invitae), Labcorp); PubMed 27084087 (cited by Labcorp Genetics (formerly Invitae), Labcorp).